The following is an entry in ClinVar:

NM_001382567.1(STIM1):c.507C>T (p.Val169=)

Gene: STIM1 (stromal interaction molecule 1; plus strand). Cytogenetic location: 11p15.4.
Variant type: single nucleotide variant.
Coding change: c.507C>T on transcript NM_001382567.1 (MANE Select); coding-DNA position 507, C replaced by T.
Protein change: p.Val169=; no amino-acid change (valine 169 retained).
Molecular consequence: synonymous variant. On other transcripts: non-coding transcript variant (3), intron variant (1).
Genome position (GRCh38, 1-based): chr11:4,059,290, C>T. VCF-style: chr11-4059290-C-T. GRCh37 (hg19) VCF-style: chr11-4080520-C-T.
Other names: p.Val169=; c.507C>T, p.Val169= (NM_001277961.3, NM_001277962.2, NM_001382568.1 and 2 more transcripts); c.285C>T, p.Val95= (NM_001382566.1, NM_001382573.1, NM_001382574.1 and 5 more transcripts); c.372C>T, p.Val124= (NM_001382569.1); c.27C>T, p.Val9= (NM_001382571.1); c.18C>T, p.Val6= (NM_001382580.1, NM_001382581.1); c.386-10736C>T (NM_001382570.1).
Identifiers: ClinVar variation 704564 (VCV000704564.16), dbSNP rs140488516, ClinGen allele CA5830247.
Genomic context (GRCh38, chr11:4,059,290, plus strand): 5'-CTTCCTGGCTTTACTGGGAGGGAACTGATCTGCTACTCTTTGCCTCAACAGGCTGGCTGT[C>T]ACCAACACCACCATGACAGGGACTGTGCTGAAGATGACAGACCGGAGTCATCGGCAGAAG-3'
Protein context (NP_001369496.1, residues 159-179): LSGHAMPRLA[Val169=]TNTTMTGTVL

ClinVar aggregate classification (germline): Benign/Likely benign. Review status: criteria provided, multiple submitters, no conflicts (2 of 4 stars). 5 submissions from 5 submitters: Benign (1); Likely benign (3). 1 of the submissions does not count toward it. Last evaluated 2026-01-26.

Conditions:
STIM1-related disorder. Also called: STIM1-related condition.
Stormorken syndrome (STRMK). Also called: THROMBOCYTOPATHY, ASPLENIA, AND MIOSIS. Identifiers: Orphanet 3204, MedGen C1861451, MONDO:0008497, OMIM 185070.
Myopathy with tubular aggregates (TAM). Also called: Tubular Aggregate Myopathy. Identifiers: Orphanet 2593, MedGen C0410207, MONDO:0008051.
Combined immunodeficiency due to STIM1 deficiency. Also called: IMMUNODEFICIENCY 10; STIM1 DEFICIENCY. Identifiers: Orphanet 169090, Orphanet 317430, MedGen C2748557, MONDO:0013008, OMIM 612783.

Allele frequency attached by ClinVar (database versions not stated): gnomAD exomes 0.00012 and 0.00029; ExAC 0.00034; ESP Exome Variant Server 0.00115; 1000 Genomes Project 30x 0.00141; 1000 Genomes Project 0.00160; gnomAD 0.00160 and 0.00178; TOPMed 0.00161.
gnomAD v4.1: 428 of 1,614,020 alleles (0.027%); highest among the groups gnomAD compares: African/African-American, 0.51%; 1 homozygote.

Submissions (5):

Labcorp Genetics (formerly Invitae), Labcorp
Classification: Benign for Myopathy with tubular aggregates; Combined immunodeficiency due to STIM1 deficiency; Stormorken syndrome. Last evaluated: 2026-01-26. Review status: criteria provided, single submitter. Criteria: Invitae Variant Classification Sherloc (09022015). Collection method: clinical testing. Allele origin: germline.

Women's Health and Genetics/Laboratory Corporation of America, LabCorp
Classification: Likely benign. Last evaluated: 2026-01-09. Review status: criteria provided, single submitter. Criteria: LabCorp Variant Classification Summary - May 2015. Collection method: clinical testing. Allele origin: germline.

Mayo Clinic Laboratories, Mayo Clinic
Classification: Likely benign. Last evaluated: 2025-06-04. Review status: criteria provided, single submitter. Criteria: ACMG Guidelines, 2015. Collection method: clinical testing. Allele origin: germline. Observed: 2 variant alleles.
Comment: BS1, BP4, BP7

Blueprint Genetics
Classification: Likely benign. Last evaluated: 2024-05-16. Review status: criteria provided, single submitter. Criteria: ACMG Guidelines, 2015. Collection method: clinical testing. Allele origin: germline.

PreventionGenetics, part of Exact Sciences
Classification: Likely benign for STIM1-related condition. Last evaluated: 2019-07-19. Review status: no assertion criteria provided. Collection method: clinical testing. Allele origin: germline. Not counted in ClinVar's aggregate classification.
Comment: This variant is classified as likely benign based on ACMG/AMP sequence variant interpretation guidelines (Richards et al. 2015 PMID: 25741868, with internal and published modifications).